The following is an entry in ClinVar:

ClinVar aggregate classification (germline): Uncertain significance (1 of 4 stars; one submission).

Conditions:
Bartter disease type 4B. Also called: Bartter syndrome, type 4b, digenic; BARTTER SYNDROME, TYPE 4B, NEONATAL, WITH SENSORINEURAL DEAFNESS; BARTTER SYNDROME, TYPE 4B. Identifiers: Orphanet 112, MedGen C4310805, MONDO:0000909, OMIM 613090.

gnomAD v4.1: 13 of 1,614,148 alleles (0.00081%); highest among the groups gnomAD compares: South Asian, 0.0011%; no homozygotes.

Submission:

Juno Genomics, Hangzhou Juno Genomics, Inc
Classification: Uncertain significance for Bartter disease type 4B. Review status: criteria provided, single submitter. Criteria: ACMG Guidelines, 2015. Collection method: clinical testing. Allele origin: germline.
Comment: Absent from controls (or at extremely low frequency if recessive) in Genome Aggregation Database.;Multiple lines of computational evidence support a deleterious effect on the gene or gene product.

NM_004070.4(CLCNKA):c.214G>A (p.Gly72Arg)

Gene: CLCNKA (chloride voltage-gated channel Ka; plus strand). Cytogenetic location: 1p36.13.
Variant type: single nucleotide variant.
Coding change: c.214G>A on transcript NM_004070.4 (MANE Select); coding-DNA position 214, G replaced by A.
Protein change: p.Gly72Arg; replaces glycine 72 with arginine.
Molecular consequence: missense variant.
Genome position (GRCh38, 1-based): chr1:16,023,913, G>A. VCF-style: chr1-16023913-G-A. GRCh37 (hg19) VCF-style: chr1-16350408-G-A.
Other names: c.214G>A, p.Gly72Arg (NM_001042704.2, NM_001257139.2); short protein forms G72R.
Identifiers: ClinVar variation 5005045 (VCV005005045.2).